The following is an entry in ClinVar:

NM_004006.3(DMD):c.6291-13537A>G

Gene: DMD (dystrophin; minus strand). Cytogenetic location: Xp21.1.
Variant type: single nucleotide variant.
Coding change: c.6291-13537A>G on transcript NM_004006.3 (MANE Select); 13537 bases into the intron before coding-DNA position 6291, A replaced by G.
Molecular consequence: intron variant.
Genome position (GRCh38, 1-based): chrX:32,230,600, T>C on the plus strand (A>G on the coding strand, the complement: DMD is on the minus strand). VCF-style: chrX-32230600-T-C. GRCh37 (hg19) VCF-style: chrX-32248717-T-C.
Other names: c.6267-13537A>G (NM_000109.4); c.2268-13537A>G (NM_004011.4); c.2259-13537A>G (NM_004012.4); c.6279-13537A>G (NM_004009.3); c.5922-13537A>G (NM_004010.3).
Identifiers: ClinVar variation 2499487 (VCV002499487.2), dbSNP rs2519219632, ClinGen allele CA2580100620.

ClinVar aggregate classification (germline): Likely pathogenic (1 of 4 stars; one submission).

Conditions:
Becker muscular dystrophy (BMD). Also called: Becker Muscular Dystrophy (BMD); MUSCULAR DYSTROPHY, PSEUDOHYPERTROPHIC PROGRESSIVE, BECKER TYPE. Identifiers: Orphanet 98895, MedGen C0917713, MONDO:0010311, OMIM 300376.

Submission:

Matsson lab, Uppsala university
Classification: Likely pathogenic for Becker muscular dystrophy. Last evaluated: 2021-04-21. Review status: criteria provided, single submitter. Criteria: ACMG Guidelines, 2015. Collection method: clinical testing. Allele origin: germline. Inheritance: X-linked recessive inheritance. Affected: yes. Observed: 1 hemizygote.
Comment: The c.6291-13537A>G variant was absent in gnomAD v2.1.1 and in silico tools predicts the creation of a cryptic splice site. Sequencing of RNA from a muscle biopsy indicated abberant splicing of the DMD gene and the creation of of a premature stop codon. Western blot analyses support a splicing defect showing strongly reduced full lenght dystrophin protein expression. In summary, the c.6291-13537A>G variant meets our criteria to be classified as likely pathogenic.